The following is an entry in ClinVar:

NM_032790.4(ORAI1):c.131CGC[3][1] (p.Pro47Hisfs)

Genes: ORAI1 (ORAI calcium release-activated calcium modulator 1; plus strand), LOC130008987 (ATAC-STARR-seq lymphoblastoid silent region 4981; plus strand). Cytogenetic location: 12q24.31.
Variant type: Microsatellite.
Coding change: c.131CGC[3][1] on transcript NM_032790.4 (MANE Select).
Protein change: p.Pro47Hisfs; shifts the reading frame from proline 47.
Genome position: GRCh38, VCF-style position (the base before the change): chr12:121,626,877. GRCh37 (hg19), VCF-style position (the base before the change): chr12:122,064,783.
Other names: short protein forms P47fs.
Identifiers: ClinVar variation 1936215 (VCV001936215.5), dbSNP rs782510098.

ClinVar aggregate classification (germline): Uncertain significance (1 of 4 stars; one submission).

Conditions:
Combined immunodeficiency due to ORAI1 deficiency. Also called: IMMUNODEFICIENCY 9. Identifiers: Orphanet 169090, Orphanet 317428, MedGen C2748568, MONDO:0013007, OMIM 612782.
Myopathy, tubular aggregate, 2 (TAM2). Identifiers: MedGen C4014557, MONDO:0014383, OMIM 615883.

Submission:

Labcorp Genetics (formerly Invitae), Labcorp
Classification: Uncertain significance for Myopathy, tubular aggregate, 2; Combined immunodeficiency due to ORAI1 deficiency. Last evaluated: 2022-03-15. Review status: criteria provided, single submitter. Criteria: Invitae Variant Classification Sherloc (09022015). Collection method: clinical testing. Allele origin: germline.
Comment: Experimental studies and prediction algorithms are not available or were not evaluated, and the functional significance of this variant is currently unknown. This variant has not been reported in the literature in individuals affected with ORAI1-related conditions. This variant is not present in population databases (gnomAD no frequency). This sequence change creates a premature translational stop signal (p.Pro45Alafs*54) in the ORAI1 gene. While this is not anticipated to result in nonsense mediated decay, it is expected to disrupt the last 257 amino acid(s) of the ORAI1 protein. In summary, the available evidence is currently insufficient to determine the role of this variant in disease. Therefore, it has been classified as a Variant of Uncertain Significance.